The following is an entry in ClinVar:

NM_000548.5(TSC2):c.138+6_138+9del

Gene: TSC2 (TSC complex subunit 2; plus strand). Cytogenetic location: 16p13.3.
Variant type: Microsatellite.
Coding change: c.138+6_138+9del on transcript NM_000548.5 (MANE Select); bases 6 to 9 of the intron after coding-DNA position 138, 4 bases deleted (TGAG; older notation c.138+6_138+9delTGAG).
Molecular consequence: splice donor variant. On other transcripts: intron variant (1).
Genome position (GRCh38, 1-based): chr16:2,048,759-2,048,762, TGAG deleted; deleting any 4 consecutive bases within chr16:2,048,752-2,048,762 gives the same sequence; the c. name uses the placement nearest the transcript's 3' end. VCF-style (leftmost placement, unchanged base first): chr16-2048751-AGAGT-A. GRCh37 (hg19) VCF-style: chr16-2098752-AGAGT-A.
Other names: c.138+6_138+9del (NM_001114382.3, NM_021055.3, NM_001370405.1 and 4 more transcripts); c.-89+6_-89+9del (NM_001318831.2); c.-10+694_-10+697del (NM_001318829.2); c.171+6_171+9del (NM_001318832.2).
Identifiers: ClinVar variation 959527 (VCV000959527.10), dbSNP rs2084688881, ClinGen allele CA2201991484.

ClinVar aggregate classification (germline): Uncertain significance. Review status: criteria provided, multiple submitters, no conflicts (2 of 4 stars). 3 submissions from 3 submitters: Uncertain significance (3). Last evaluated 2026-03-20.

Conditions:
Tuberous sclerosis 2 (TSC2). Identifiers: Orphanet 805, MedGen C1860707, MONDO:0013199, OMIM 613254.
Hereditary cancer-predisposing syndrome. Also called: Neoplastic Syndromes, Hereditary; Tumor predisposition; Hereditary neoplastic syndrome; Hereditary Cancer Syndrome. Identifiers: Orphanet 140162, MedGen C0027672, MeSH D009386, MONDO:0015356.

Submissions (3):

GeneDx
Classification: Uncertain significance. Last evaluated: 2026-03-20. Review status: criteria provided, single submitter. Criteria: GeneDx Variant Classification Process June 2021. Collection method: clinical testing. Allele origin: germline.
Comment: Not observed at significant frequency in large population cohorts (gnomAD); In silico analysis supports a deleterious effect on splicing; Has not been previously published as pathogenic or benign to our knowledge

Labcorp Genetics (formerly Invitae), Labcorp
Classification: Uncertain significance for Tuberous sclerosis 2. Last evaluated: 2024-07-30. Review status: criteria provided, single submitter. Criteria: Invitae Variant Classification Sherloc (09022015). Collection method: clinical testing. Allele origin: germline.
Comment: This sequence change falls in intron 2 of the TSC2 gene. It does not directly change the encoded amino acid sequence of the TSC2 protein. It affects a nucleotide within the consensus splice site. This variant is not present in population databases (gnomAD no frequency). This variant has not been reported in the literature in individuals affected with TSC2-related conditions. ClinVar contains an entry for this variant (Variation ID: 959527). Variants that disrupt the consensus splice site are a relatively common cause of aberrant splicing (PMID: 17576681, 9536098). Algorithms developed to predict the effect of sequence changes on RNA splicing suggest that this variant may disrupt the consensus splice site. In summary, the available evidence is currently insufficient to determine the role of this variant in disease. Therefore, it has been classified as a Variant of Uncertain Significance.

Sema4
Classification: Uncertain significance for Hereditary cancer-predisposing syndrome. Last evaluated: 2022-03-18. Review status: criteria provided, single submitter. Criteria: Sema4 Curation Guidelines. Collection method: curation. Allele origin: germline.
Comment: The TSC2 c.138+6_138+9delTGAG variant has not been reported in the literature to our knowledge. It was not observed in the large and broad cohorts of the Genome Aggregation Database. The variant has been reported in ClinVar (Variation ID 959527). The evidence is insufficient to meet ACMG/AMP criteria for classifying the variant as benign or pathogenic. Thus, the clinical significance of this variant is currently uncertain.

Literature cited by the submitters: PubMed 17576681 (cited by Labcorp Genetics (formerly Invitae), Labcorp); PubMed 9536098 (cited by Labcorp Genetics (formerly Invitae), Labcorp).